The following is an entry in ClinVar:

ClinVar aggregate classification (germline): Uncertain significance. Review status: criteria provided, multiple submitters, no conflicts (2 of 4 stars). 2 submissions from 2 submitters: Uncertain significance (2). Last evaluated 2023-06-16.

Allele frequency attached by ClinVar (database versions not stated): TOPMed 0.00001.

Submissions (2):

Ambry Genetics
Classification: Uncertain significance. Last evaluated: 2023-06-16. Review status: criteria provided, single submitter. Criteria: Ambry Variant Classification Scheme 2023. Collection method: clinical testing. Allele origin: germline.

Labcorp Genetics (formerly Invitae), Labcorp
Classification: Uncertain significance. Last evaluated: 2022-05-18. Review status: criteria provided, single submitter. Criteria: Invitae Variant Classification Sherloc (09022015). Collection method: clinical testing. Allele origin: germline.
Comment: This sequence change replaces methionine, which is neutral and non-polar, with arginine, which is basic and polar, at codon 21 of the SCP2 protein (p.Met21Arg). This variant is not present in population databases (gnomAD no frequency). This variant has not been reported in the literature in individuals affected with SCP2-related conditions. Algorithms developed to predict the effect of missense changes on protein structure and function are either unavailable or do not agree on the potential impact of this missense change (SIFT: "Deleterious"; PolyPhen-2: "Possibly Damaging"; Align-GVGD: "Class C0"). In summary, the available evidence is currently insufficient to determine the role of this variant in disease. Therefore, it has been classified as a Variant of Uncertain Significance.

NM_002979.5(SCP2):c.62T>G (p.Met21Arg)

Gene: SCP2 (sterol carrier protein 2; plus strand). Cytogenetic location: 1p32.3.
Variant type: single nucleotide variant.
Coding change: c.62T>G on transcript NM_002979.5 (MANE Select); coding-DNA position 62, T replaced by G.
Protein change: p.Met21Arg; replaces methionine 21 with arginine.
Molecular consequence: missense variant. On other transcripts: 5 prime UTR variant (1).
Genome position (GRCh38, 1-based): chr1:52,927,458, T>G. VCF-style: chr1-52927458-T-G. GRCh37 (hg19) VCF-style: chr1-53393130-T-G.
Other names: c.62T>G, p.Met21Arg (NM_001007098.3, NM_001193599.2, NM_001193600.2 and 1 more transcripts); c.-124T>G (NM_001193617.2); c.62T>G (NM_002979.4); short protein forms M21R.
Identifiers: ClinVar variation 1996240 (VCV001996240.3), dbSNP rs1048072495, ClinGen allele CA22581872.
Genomic context (GRCh38, chr1:52,927,458, plus strand): 5'-TGTCCTCTTCCCCGTGGGAGCCTGCGACCCTGCGCCGGGTGTTCGTGGTGGGGGTTGGCA[T>G]GACCAAGGTAAACCGAGCAGCGGCCCTGCTGGCCCTCTGAGGCTCGGGGGCGGTCGGTGC-3'
Protein context (NP_002970.2, residues 11-31): LRRVFVVGVG[Met21Arg]TKFVKPGAEN